The following is an entry in ClinVar:

ClinVar aggregate classification (germline): Uncertain significance. Review status: criteria provided, multiple submitters, no conflicts (2 of 4 stars). 4 submissions from 4 submitters: Uncertain significance (4). Last evaluated 2024-08-19.

Conditions:
Exostoses, multiple, type 2 (EXT2). Also called: EXOSTOSES, MULTIPLE, TYPE II; Hereditary Multiple Osteochondromatosis, Type II. Identifiers: Orphanet 321, MedGen C1851413, MONDO:0007586, OMIM 133701.
Seizures-scoliosis-macrocephaly syndrome. Also called: SEIZURES, SCOLIOSIS, AND MACROCEPHALY/MICROCEPHALY SYNDROME; Seizures, scoliosis, and macrocephaly syndrome. Identifiers: Orphanet 466926, MedGen C4225248, MONDO:0014731, OMIM 616682.
Multiple congenital exostosis (EXT). Also called: Hereditary multiple exostoses; Hereditary multiple exostosis; Multiple exostoses; Multiple osteochondromas; MULTIPLE CARTILAGINOUS EXOSTOSES; Hereditary multiple osteochondromas. Identifiers: Orphanet 321, MedGen C0015306, MONDO:0005508, HP:0002762.

Allele frequency attached by ClinVar (database versions not stated): gnomAD exomes below 0.00001 and 0.00005; ExAC 0.00001; gnomAD 0.00003; TOPMed 0.00004.
gnomAD v4.1: 84 of 1,613,640 alleles (0.0052%); highest among the groups gnomAD compares: Non-Finnish European, 0.0069%; no homozygotes.

Submissions (4):

Mayo Clinic Laboratories, Mayo Clinic
Classification: Uncertain significance. Last evaluated: 2024-08-19. Review status: criteria provided, single submitter. Criteria: ACMG Guidelines, 2015. Collection method: clinical testing. Allele origin: germline. Observed: 1 variant allele.

Fulgent Genetics
Classification: Uncertain significance for Exostoses, multiple, type 2; Seizures-scoliosis-macrocephaly syndrome. Last evaluated: 2024-02-02. Review status: criteria provided, single submitter. Criteria: ACMG Guidelines, 2015. Collection method: clinical testing. Allele origin: germline.

St. Jude Molecular Pathology, St. Jude Children's Research Hospital
Classification: Uncertain significance for Multiple congenital exostosis. Last evaluated: 2021-06-24. Review status: criteria provided, single submitter. Criteria: St. Jude Assertion Criteria 2020. Collection method: clinical testing. Allele origin: germline.
Comment: The EXT2 c.725+3A>C intronic change results from a A to C substitution at the +3 position of intron 4 of the EXT2 gene. Splice predictors are not conclusive as to whether or not this variant affects splicing and loss of function of the resulting protein product. RNA data demonstrates aberrant splicing in ~6-7% of mutant reads (internal data). This variant has a maximum subpopulation frequency of 0.0023% in gnomAD v2.1.1 (PM2_Supporting). In summary, this variant meets criteria to be classified as of uncertain significance based on the ACMG/AMP criteria: PM2_Supporting.

GeneDx
Classification: Uncertain significance. Last evaluated: 2021-04-14. Review status: criteria provided, single submitter. Criteria: GeneDx Variant Classification Process June 2021. Collection method: clinical testing. Allele origin: germline. Affected: yes.
Comment: Not observed at a significant frequency in large population cohorts (Lek et al., 2016); In silico analysis supports a deleterious effect on splicing; Has not been previously published as pathogenic or benign to our knowledge

NM_207122.2(EXT2):c.626+3A>C

Gene: EXT2 (exostosin glycosyltransferase 2; plus strand). Cytogenetic location: 11p11.2.
Variant type: single nucleotide variant.
Coding change: c.626+3A>C on transcript NM_207122.2 (MANE Select); 3 bases into the intron after coding-DNA position 626, A replaced by C.
Molecular consequence: intron variant.
Genome position (GRCh38, 1-based): chr11:44,109,286, A>C. VCF-style: chr11-44109286-A-C. GRCh37 (hg19) VCF-style: chr11-44130836-A-C.
Other names: p.?; c.626+3A>C (NM_001178083.3, NM_207122.1); c.725+3A>C (NM_000401.3).
Identifiers: ClinVar variation 1184718 (VCV001184718.7), dbSNP rs200934340, ClinGen allele CA5954948.